The following is an entry in ClinVar:

NM_000465.4(BARD1):c.2180A>G (p.Asp727Gly)

Gene: BARD1 (BRCA1 associated RING domain 1; minus strand). Cytogenetic location: 2q35.
Variant type: single nucleotide variant.
Coding change: c.2180A>G on transcript NM_000465.4 (MANE Select); coding-DNA position 2180, A replaced by G.
Protein change: p.Asp727Gly; replaces aspartic acid 727 with glycine.
Molecular consequence: missense variant. On other transcripts: non-coding transcript variant (3).
Genome position (GRCh38, 1-based): chr2:214,728,830, T>C on the plus strand (A>G on the coding strand, the complement: BARD1 is on the minus strand). VCF-style: chr2-214728830-T-C. GRCh37 (hg19) VCF-style: chr2-215593554-T-C.
Other names: c.2123A>G, p.Asp708Gly (NM_001282543.2); c.827A>G, p.Asp276Gly (NM_001282545.2); c.770A>G, p.Asp257Gly (NM_001282548.2); c.641A>G, p.Asp214Gly (NM_001282549.2); c.2180A>G (NM_000465.2); short protein forms D727G, D257G, D708G, D214G, D276G.
Identifiers: ClinVar variation 627722 (VCV000627722.11), dbSNP rs753074107, ClinGen allele CA2090066.

ClinVar aggregate classification (germline): Uncertain significance. Review status: criteria provided, multiple submitters, no conflicts (2 of 4 stars). 3 submissions from 3 submitters: Uncertain significance (3). Last evaluated 2024-04-27.

Conditions:
Hereditary cancer-predisposing syndrome. Also called: Tumor predisposition; Hereditary Cancer Syndrome; Neoplastic Syndromes, Hereditary; Hereditary neoplastic syndrome. Identifiers: Orphanet 140162, MedGen C0027672, MeSH D009386, MONDO:0015356.
Familial cancer of breast. Also called: BREAST CANCER, FAMILIAL; Hereditary breast cancer; hereditary breast carcinoma. Identifiers: Orphanet 227535, MedGen C0346153, MONDO:0016419, OMIM 114480. Disease mechanism: loss of function.

Allele frequency attached by ClinVar (database versions not stated): gnomAD exomes below 0.00001; ExAC 0.00001.

Submissions (3):

Ambry Genetics
Classification: Uncertain significance for Hereditary cancer-predisposing syndrome. Last evaluated: 2024-04-27. Review status: criteria provided, single submitter. Criteria: Ambry Variant Classification Scheme 2023. Collection method: clinical testing. Allele origin: germline.
Comment: The p.D727G variant (also known as c.2180A>G), located in coding exon 11 of the BARD1 gene, results from an A to G substitution at nucleotide position 2180. The aspartic acid at codon 727 is replaced by glycine, an amino acid with similar properties. This amino acid position is conserved. In addition, this alteration is predicted to be tolerated by in silico analysis. Since supporting evidence is limited at this time, the clinical significance of this alteration remains unclear.

Color Diagnostics, LLC DBA Color Health
Classification: Uncertain significance for Hereditary cancer-predisposing syndrome. Last evaluated: 2024-03-06. Review status: criteria provided, single submitter. Criteria: ACMG Guidelines, 2015. Collection method: clinical testing. Allele origin: germline.
Comment: This missense variant replaces aspartic acid with glycine at codon 727 of the BARD1 protein. Computational prediction suggests that this variant may not impact protein structure and function (internally defined REVEL score threshold <= 0.5, PMID: 27666373). To our knowledge, functional studies have not been reported for this variant. This variant has not been reported in individuals affected with hereditary cancer in the literature. This variant has been identified in 1/251346 chromosomes in the general population by the Genome Aggregation Database (gnomAD). The available evidence is insufficient to determine the role of this variant in disease conclusively. Therefore, this variant is classified as a Variant of Uncertain Significance.

Labcorp Genetics (formerly Invitae), Labcorp
Classification: Uncertain significance for Familial cancer of breast. Last evaluated: 2023-12-06. Review status: criteria provided, single submitter. Criteria: Invitae Variant Classification Sherloc (09022015). Collection method: clinical testing. Allele origin: germline.
Comment: This sequence change replaces aspartic acid, which is acidic and polar, with glycine, which is neutral and non-polar, at codon 727 of the BARD1 protein (p.Asp727Gly). This variant is present in population databases (rs753074107, gnomAD 0.006%). This variant has not been reported in the literature in individuals affected with BARD1-related conditions. ClinVar contains an entry for this variant (Variation ID: 627722). An algorithm developed to predict the effect of missense changes on protein structure and function (PolyPhen-2) suggests that this variant is likely to be tolerated. In summary, the available evidence is currently insufficient to determine the role of this variant in disease. Therefore, it has been classified as a Variant of Uncertain Significance.